The following is an entry in ClinVar:

NM_005562.3(LAMC2):c.1861del (p.Asp621fs)

Gene: LAMC2 (laminin subunit gamma 2; plus strand). Cytogenetic location: 1q25.3.
Variant type: Deletion.
Coding change: c.1861del on transcript NM_005562.3 (MANE Select); coding-DNA position 1861, one base deleted (G; older notation c.1861delG).
Protein change: p.Asp621fs; shifts the reading frame from aspartic acid 621.
Molecular consequence: frameshift variant.
Genome position (GRCh38, 1-based): chr1:183,232,190, G deleted; the last of 2 consecutive G bases (chr1:183,232,189-183,232,190); deleting either gives the same sequence. VCF-style (leftmost placement, unchanged base first): chr1-183232188-TG-T. GRCh37 (hg19) VCF-style: chr1-183201323-TG-T.
Other names: c.1861del, p.Asp621fs (NM_018891.3); short protein forms D621fs.
Identifiers: ClinVar variation 5011374 (VCV005011374.1).
Genomic context (GRCh38, chr1:183,232,188, plus strand): 5'-GATGATCCCTTGGGTACATGGTCTCCACCCTCGTTCTGATCTTTCCTGTGTGGTTTCAGA[TG>T]GATCAGTTTATGCAGCAGCTTCAGAGAATGGAGGCCCTGATTTCAAAGGCTCAGGGTGGT-3'

ClinVar aggregate classification (germline): Pathogenic (1 of 4 stars; one submission).

Conditions:
Junctional epidermolysis bullosa. Identifiers: Orphanet 305, MedGen C0079301, MONDO:0017612.

Submission:

Myriad Genetics, Inc.
Classification: Pathogenic for Junctional epidermolysis bullosa. Last evaluated: 2023-08-17. Review status: criteria provided, single submitter. Criteria: Myriad Autosomal Dominant, Autosomal Recessive and X-Linked Classification Criteria (2023). Collection method: clinical testing. Allele origin: unknown.
Comment: NM_005562.2(LAMC2):c.1861delG(D621Ifs*13) is expected to be pathogenic in the context of junctional epidermolysis bullosa, LAMC2-related. This variant is predicted to lead to an abnormal or absent protein product due to the creation of a premature termination codon in LAMC2, a gene where loss-of-function variants are known to be pathogenic. Please note: this variant was assessed in the context of healthy population screening.